The following continues an entry in ClinVar:

NM_000284.4(PDHA1):c.760-15C>A

Gene: PDHA1. ClinVar aggregate classification (germline): Benign. Benign (7).

Submissions 28 to 56 of 56:

Dr. Peter K. Rogan Lab, Western University
No classification provided (evidence only). Condition: Chronic lymphocytic leukemia/small lymphocytic lymphoma. Review status: no classification provided. Collection method: in vitro. Allele origin: not applicable. Functional consequence: retained intron. Not counted in ClinVar's aggregate classification.

Dr. Peter K. Rogan Lab, Western University
No classification provided (evidence only). Condition: Chronic lymphocytic leukemia/small lymphocytic lymphoma. Review status: no classification provided. Collection method: in vitro. Allele origin: not applicable. Functional consequence: skipped exon, retained intron. Not counted in ClinVar's aggregate classification.

Dr. Peter K. Rogan Lab, Western University
No classification provided (evidence only). Condition: Chronic lymphocytic leukemia/small lymphocytic lymphoma. Review status: no classification provided. Collection method: in vitro. Allele origin: not applicable. Functional consequence: retained intron. Not counted in ClinVar's aggregate classification.

Dr. Peter K. Rogan Lab, Western University
No classification provided (evidence only). Condition: Chronic lymphocytic leukemia/small lymphocytic lymphoma. Review status: no classification provided. Collection method: in vitro. Allele origin: not applicable. Functional consequence: retained intron. Not counted in ClinVar's aggregate classification.

Dr. Peter K. Rogan Lab, Western University
No classification provided (evidence only). Condition: Nonpapillary renal cell carcinoma. Review status: no classification provided. Collection method: in vitro. Allele origin: not applicable. Functional consequence: retained intron. Not counted in ClinVar's aggregate classification.

Dr. Peter K. Rogan Lab, Western University
No classification provided (evidence only). Condition: Familial pancreatic carcinoma. Review status: no classification provided. Collection method: in vitro. Allele origin: not applicable. Functional consequence: retained intron. Not counted in ClinVar's aggregate classification.

Dr. Peter K. Rogan Lab, Western University
No classification provided (evidence only). Condition: Familial pancreatic carcinoma. Review status: no classification provided. Collection method: in vitro. Allele origin: not applicable. Functional consequence: retained intron. Not counted in ClinVar's aggregate classification.

Dr. Peter K. Rogan Lab, Western University
No classification provided (evidence only). Condition: Familial pancreatic carcinoma. Review status: no classification provided. Collection method: in vitro. Allele origin: not applicable. Functional consequence: retained intron. Not counted in ClinVar's aggregate classification.

Dr. Peter K. Rogan Lab, Western University
No classification provided (evidence only). Condition: Familial pancreatic carcinoma. Review status: no classification provided. Collection method: in vitro. Allele origin: not applicable. Functional consequence: retained intron. Not counted in ClinVar's aggregate classification.

Dr. Peter K. Rogan Lab, Western University
No classification provided (evidence only). Condition: Familial pancreatic carcinoma. Review status: no classification provided. Collection method: in vitro. Allele origin: not applicable. Functional consequence: retained intron. Not counted in ClinVar's aggregate classification.

Dr. Peter K. Rogan Lab, Western University
No classification provided (evidence only). Condition: Familial pancreatic carcinoma. Review status: no classification provided. Collection method: in vitro. Allele origin: not applicable. Functional consequence: retained intron. Not counted in ClinVar's aggregate classification.

Dr. Peter K. Rogan Lab, Western University
No classification provided (evidence only). Condition: Lymphoma. Review status: no classification provided. Collection method: in vitro. Allele origin: not applicable. Functional consequence: retained intron. Not counted in ClinVar's aggregate classification.

Dr. Peter K. Rogan Lab, Western University
No classification provided (evidence only). Condition: Lymphoma. Review status: no classification provided. Collection method: in vitro. Allele origin: not applicable. Functional consequence: retained intron. Not counted in ClinVar's aggregate classification.

Dr. Peter K. Rogan Lab, Western University
No classification provided (evidence only). Condition: Ovarian cancer. Review status: no classification provided. Collection method: in vitro. Allele origin: not applicable. Functional consequence: skipped exon, retained intron. Not counted in ClinVar's aggregate classification.

Dr. Peter K. Rogan Lab, Western University
No classification provided (evidence only). Condition: Ovarian cancer. Review status: no classification provided. Collection method: in vitro. Allele origin: not applicable. Functional consequence: retained intron. Not counted in ClinVar's aggregate classification.

Dr. Peter K. Rogan Lab, Western University
No classification provided (evidence only). Condition: Ovarian cancer. Review status: no classification provided. Collection method: in vitro. Allele origin: not applicable. Functional consequence: retained intron. Not counted in ClinVar's aggregate classification.

Dr. Peter K. Rogan Lab, Western University
No classification provided (evidence only). Condition: Ovarian cancer. Review status: no classification provided. Collection method: in vitro. Allele origin: not applicable. Functional consequence: retained intron. Not counted in ClinVar's aggregate classification.

Dr. Peter K. Rogan Lab, Western University
No classification provided (evidence only). Condition: Familial cancer of breast. Review status: no classification provided. Collection method: in vitro. Allele origin: not applicable. Functional consequence: retained intron. Not counted in ClinVar's aggregate classification.

Dr. Peter K. Rogan Lab, Western University
No classification provided (evidence only). Condition: Acute myeloid leukemia. Review status: no classification provided. Collection method: in vitro. Allele origin: not applicable. Functional consequence: retained intron. Not counted in ClinVar's aggregate classification.

Dr. Peter K. Rogan Lab, Western University
No classification provided (evidence only). Condition: Acute myeloid leukemia. Review status: no classification provided. Collection method: in vitro. Allele origin: not applicable. Functional consequence: retained intron. Not counted in ClinVar's aggregate classification.

Dr. Peter K. Rogan Lab, Western University
No classification provided (evidence only). Condition: Acute myeloid leukemia. Review status: no classification provided. Collection method: in vitro. Allele origin: not applicable. Functional consequence: retained intron. Not counted in ClinVar's aggregate classification.

Dr. Peter K. Rogan Lab, Western University
No classification provided (evidence only). Condition: Acute myeloid leukemia. Review status: no classification provided. Collection method: in vitro. Allele origin: not applicable. Functional consequence: retained intron. Not counted in ClinVar's aggregate classification.

Dr. Peter K. Rogan Lab, Western University
No classification provided (evidence only). Condition: Acute myeloid leukemia. Review status: no classification provided. Collection method: in vitro. Allele origin: not applicable. Functional consequence: retained intron. Not counted in ClinVar's aggregate classification.

Dr. Peter K. Rogan Lab, Western University
No classification provided (evidence only). Condition: Acute myeloid leukemia. Review status: no classification provided. Collection method: in vitro. Allele origin: not applicable. Functional consequence: retained intron. Not counted in ClinVar's aggregate classification.

Dr. Peter K. Rogan Lab, Western University
No classification provided (evidence only). Condition: Acute myeloid leukemia. Review status: no classification provided. Collection method: in vitro. Allele origin: not applicable. Functional consequence: retained intron. Not counted in ClinVar's aggregate classification.

Dr. Peter K. Rogan Lab, Western University
No classification provided (evidence only). Condition: Acute myeloid leukemia. Review status: no classification provided. Collection method: in vitro. Allele origin: not applicable. Functional consequence: retained intron. Not counted in ClinVar's aggregate classification.

Dr. Peter K. Rogan Lab, Western University
No classification provided (evidence only). Condition: Acute myeloid leukemia. Review status: no classification provided. Collection method: in vitro. Allele origin: not applicable. Functional consequence: retained intron. Not counted in ClinVar's aggregate classification.

Dr. Peter K. Rogan Lab, Western University
No classification provided (evidence only). Condition: Acute myeloid leukemia. Review status: no classification provided. Collection method: in vitro. Allele origin: not applicable. Functional consequence: retained intron. Not counted in ClinVar's aggregate classification.

Dr. Peter K. Rogan Lab, Western University
No classification provided (evidence only). Condition: Acute myeloid leukemia. Review status: no classification provided. Collection method: in vitro. Allele origin: not applicable. Functional consequence: retained intron. Not counted in ClinVar's aggregate classification.